The following is an entry in ClinVar:

ClinVar aggregate classification (germline): Uncertain significance (1 of 4 stars; one submission).

Allele frequency attached by ClinVar (database versions not stated): gnomAD 0.00001.
gnomAD v4.1: 1 of 1,614,172 alleles (0.000062%); highest among the groups gnomAD compares: East Asian, 0.0022%; no homozygotes.

Submission:

Labcorp Genetics (formerly Invitae), Labcorp
Classification: Uncertain significance. Last evaluated: 2022-09-27. Review status: criteria provided, single submitter. Criteria: Invitae Variant Classification Sherloc (09022015). Collection method: clinical testing. Allele origin: germline.
Comment: This variant has not been reported in the literature in individuals affected with CDHR1-related conditions. This variant is not present in population databases (gnomAD no frequency). This sequence change replaces leucine, which is neutral and non-polar, with glutamine, which is neutral and polar, at codon 587 of the CDHR1 protein (p.Leu587Gln). ClinVar contains an entry for this variant (Variation ID: 1463677). In summary, the available evidence is currently insufficient to determine the role of this variant in disease. Therefore, it has been classified as a Variant of Uncertain Significance. Advanced modeling of protein sequence and biophysical properties (such as structural, functional, and spatial information, amino acid conservation, physicochemical variation, residue mobility, and thermodynamic stability) performed at Invitae indicates that this missense variant is not expected to disrupt CDHR1 protein function.

NM_033100.4(CDHR1):c.1760T>A (p.Leu587Gln)

Gene: CDHR1 (cadherin related family member 1; plus strand). Cytogenetic location: 10q23.1.
Variant type: single nucleotide variant.
Coding change: c.1760T>A on transcript NM_033100.4 (MANE Select); coding-DNA position 1760, T replaced by A.
Protein change: p.Leu587Gln; replaces leucine 587 with glutamine.
Molecular consequence: missense variant.
Genome position (GRCh38, 1-based): chr10:84,212,385, T>A. VCF-style: chr10-84212385-T-A. GRCh37 (hg19) VCF-style: chr10-85972141-T-A.
Other names: c.1760T>A, p.Leu587Gln (NM_001171971.3); short protein forms L587Q.
Identifiers: ClinVar variation 1463677 (VCV001463677.6), dbSNP rs2132831645, ClinGen allele CA377378183.